The following is an entry in ClinVar:

NM_000212.3(ITGB3):c.744C>T (p.Gly248=)

Gene: ITGB3 (integrin subunit beta 3; plus strand). Cytogenetic location: 17q21.32.
Variant type: single nucleotide variant.
Coding change: c.744C>T on transcript NM_000212.3 (MANE Select); coding-DNA position 744, C replaced by T.
Protein change: p.Gly248=; no amino-acid change (glycine 248 retained).
Molecular consequence: synonymous variant.
Genome position (GRCh38, 1-based): chr17:47,286,389, C>T. VCF-style: chr17-47286389-C-T. GRCh37 (hg19) VCF-style: chr17-45363755-C-T.
Other names: p.Gly248=.
Identifiers: ClinVar variation 2158991 (VCV002158991.6), dbSNP rs141384746, ClinGen allele CA8623032.

ClinVar aggregate classification (germline): Likely benign. Review status: criteria provided, multiple submitters, no conflicts (2 of 4 stars). 3 submissions from 3 submitters: Likely benign (3). Last evaluated 2025-11-08.

Allele frequency attached by ClinVar (database versions not stated): ExAC 0.00006; gnomAD 0.00007; TOPMed 0.00007; ESP Exome Variant Server 0.00008; gnomAD exomes 0.00017.
gnomAD v4.1: 257 of 1,614,010 alleles (0.016%); highest among the groups gnomAD compares: Non-Finnish European, 0.021%; no homozygotes.

Submissions (3):

Labcorp Genetics (formerly Invitae), Labcorp
Classification: Likely benign. Last evaluated: 2025-11-08. Review status: criteria provided, single submitter. Criteria: Invitae Variant Classification Sherloc (09022015). Collection method: clinical testing. Allele origin: germline.

Mayo Clinic Laboratories, Mayo Clinic
Classification: Likely benign. Last evaluated: 2025-05-13. Review status: criteria provided, single submitter. Criteria: ACMG Guidelines, 2015. Collection method: clinical testing. Allele origin: germline. Observed: 1 variant allele.
Comment: BP4, BP7

Blueprint Genetics
Classification: Likely benign. Last evaluated: 2024-11-19. Review status: criteria provided, single submitter. Criteria: ACMG Guidelines, 2015. Collection method: clinical testing. Allele origin: germline.